The following is an entry in ClinVar:

NM_172362.3(KCNH1):c.1546C>A (p.Leu516Ile)

Gene: KCNH1 (potassium voltage-gated channel subfamily H member 1; minus strand). Cytogenetic location: 1q32.2.
Variant type: single nucleotide variant.
Coding change: c.1546C>A on transcript NM_172362.3 (MANE Select); coding-DNA position 1546, C replaced by A.
Protein change: p.Leu516Ile; replaces leucine 516 with isoleucine.
Molecular consequence: missense variant.
Genome position (GRCh38, 1-based): chr1:210,804,083, G>T on the plus strand (C>A on the coding strand, the complement: KCNH1 is on the minus strand). VCF-style: chr1-210804083-G-T. GRCh37 (hg19) VCF-style: chr1-210977425-G-T.
Other names: c.1465C>A, p.Leu489Ile (NM_002238.4); short protein forms L516I, L489I.
Identifiers: ClinVar variation 2867468 (VCV002867468.3), dbSNP rs727502820, ClinGen allele CA344874419.

ClinVar aggregate classification (germline): Uncertain significance (1 of 4 stars; one submission).

Submission:

Labcorp Genetics (formerly Invitae), Labcorp
Classification: Uncertain significance. Last evaluated: 2024-10-28. Review status: criteria provided, single submitter. Criteria: Invitae Variant Classification Sherloc (09022015). Collection method: clinical testing. Allele origin: germline.
Comment: This sequence change replaces leucine, which is neutral and non-polar, with isoleucine, which is neutral and non-polar, at codon 516 of the KCNH1 protein (p.Leu516Ile). This variant is not present in population databases (gnomAD no frequency). This variant has not been reported in the literature in individuals affected with KCNH1-related conditions. Invitae Evidence Modeling of protein sequence and biophysical properties (such as structural, functional, and spatial information, amino acid conservation, physicochemical variation, residue mobility, and thermodynamic stability) has been performed for this missense variant. However, the output from this modeling did not meet the statistical confidence thresholds required to predict the impact of this variant on KCNH1 protein function. In summary, the available evidence is currently insufficient to determine the role of this variant in disease. Therefore, it has been classified as a Variant of Uncertain Significance.